The following is an entry in ClinVar:

ClinVar aggregate classification (germline): Likely pathogenic (1 of 4 stars; one submission).

Conditions:
Familial thoracic aortic aneurysm and aortic dissection (TAAD). Also called: Thoracic aortic aneurysms and dissections. Identifiers: Orphanet 91387, MedGen C4707243, MONDO:0019625.

Submission:

Labcorp Genetics (formerly Invitae), Labcorp
Classification: Likely pathogenic for Familial thoracic aortic aneurysm and aortic dissection. Last evaluated: 2023-06-25. Review status: criteria provided, single submitter. Criteria: Invitae Variant Classification Sherloc (09022015). Collection method: clinical testing. Allele origin: germline.
Comment: Algorithms developed to predict the effect of sequence changes on RNA splicing suggest that this variant may disrupt the consensus splice site. In summary, the currently available evidence indicates that the variant is pathogenic, but additional data are needed to prove that conclusively. Therefore, this variant has been classified as Likely Pathogenic. This sequence change affects an acceptor splice site in intron 2 of the TGFBR1 gene. It is expected to disrupt RNA splicing. Variants that disrupt the donor or acceptor splice site typically lead to a loss of protein function (PMID: 16199547), and loss-of-function variants in TGFBR1 are known to be pathogenic (PMID: 21358634). This variant is not present in population databases (gnomAD no frequency). This variant has not been reported in the literature in individuals affected with TGFBR1-related conditions.

Literature cited by the submitters: PubMed 16199547; PubMed 21358634.

NM_004612.4(TGFBR1):c.344-2A>G

Gene: TGFBR1 (transforming growth factor beta receptor 1; plus strand). Cytogenetic location: 9q22.33.
Variant type: single nucleotide variant.
Coding change: c.344-2A>G on transcript NM_004612.4 (MANE Select); the canonical splice acceptor site of the intron before coding-DNA position 344, A replaced by G.
Molecular consequence: splice acceptor variant. On other transcripts: synonymous variant (6), non-coding transcript variant (1), intron variant (3).
Genome position (GRCh38, 1-based): chr9:99,132,507, A>G. VCF-style: chr9-99132507-A-G. GRCh37 (hg19) VCF-style: chr9-101894789-A-G.
Other names: c.354A>G, p.Ser118= (NM_001306210.2, NM_001407416.1); c.147A>G, p.Ser49= (NM_001407418.1, NM_001407419.1, NM_001407420.1 and 1 more transcripts); c.137-2A>G (NM_001407423.1, NM_001407424.1, NM_001407425.1 and 8 more transcripts); c.344-2A>G (NM_001407417.1, NM_001407435.1); c.343+3407A>G (NM_001130916.3); c.98-2A>G (NM_001407436.1); c.98-5352A>G (NM_001407438.1); c.98-10029A>G (NM_001407437.1).
Identifiers: ClinVar variation 2729054 (VCV002729054.3), dbSNP rs2490141047, ClinGen allele CA374227696.